The following is an entry in ClinVar:

NM_004656.4(BAP1):c.555del (p.Gly185_Leu186insTer)

Gene: BAP1 (BRCA1 associated deubiquitinase 1; minus strand). Cytogenetic location: 3p21.1.
Variant type: Deletion.
Coding change: c.555del on transcript NM_004656.4 (MANE Select); coding-DNA position 555, one base deleted (G; older notation c.555delG).
Protein change: p.Gly185_Leu186insTer.
Molecular consequence: frameshift variant.
Genome position (GRCh38, 1-based): chr3:52,407,199, C deleted on the plus strand (G on the coding strand, the reverse complement: BAP1 is on the minus strand); the first of 3 consecutive C bases (chr3:52,407,199-52,407,201); deleting any one gives the same sequence. VCF-style (leftmost placement, unchanged base first): chr3-52407198-GC-G. GRCh37 (hg19) VCF-style: chr3-52441214-GC-G.
Identifiers: ClinVar variation 1074041 (VCV001074041.5), dbSNP rs2153227786, ClinGen allele CA2499216949.

ClinVar aggregate classification (germline): Pathogenic (1 of 4 stars; one submission).

Conditions:
BAP1-related tumor predisposition syndrome (TPDS1). Also called: BAP1 tumor predisposition syndrome; COMMON Syndrome; TUMOR PREDISPOSITION SYNDROME 1; Tumor susceptibility linked to germline BAP1 mutations. Identifiers: Orphanet 289539, MedGen C3280492, MONDO:0013692, OMIM 614327.

Submission:

Labcorp Genetics (formerly Invitae), Labcorp
Classification: Pathogenic for BAP1-related tumor predisposition syndrome. Last evaluated: 2020-05-25. Review status: criteria provided, single submitter. Criteria: Invitae Variant Classification Sherloc (09022015). Collection method: clinical testing. Allele origin: germline.
Comment: This sequence change creates a premature translational stop signal (p.Leu186*) in the BAP1 gene. It is expected to result in an absent or disrupted protein product. This variant is not present in population databases (ExAC no frequency). This variant has not been reported in the literature in individuals with BAP1-related conditions. Loss-of-function variants in BAP1 are known to be pathogenic (PMID: 21874000, 23684012). For these reasons, this variant has been classified as Pathogenic.

Literature cited by the submitters: PubMed 21874000; PubMed 23684012.